The following is an entry in ClinVar:

NM_000551.4(VHL):c.481del (p.Arg161fs)

Genes: VHL (von Hippel-Lindau tumor suppressor; plus strand), LOC107303340 (3p25 von Hippel-Lindau tumor suppressor, E3 ubiquitin protein ligase Alu-mediated recombination region; plus strand). Cytogenetic location: 3p25.3.
Variant type: Deletion.
Coding change: c.481del on transcript NM_000551.4 (MANE Select); coding-DNA position 481, one base deleted (C; older notation c.481delC).
Protein change: p.Arg161fs; shifts the reading frame from arginine 161.
Molecular consequence: frameshift variant. On other transcripts: 3 prime UTR variant (1), non-coding transcript variant (1).
Genome position (GRCh38, 1-based): chr3:10,149,804, C deleted. VCF-style (leftmost placement, unchanged base first): chr3-10149803-GC-G. GRCh37 (hg19) VCF-style: chr3-10191487-GC-G.
Other names: c.*35del (NM_001354723.2); c.358del, p.Arg120fs (NM_198156.3); short protein forms R161fs, R120fs.
Identifiers: ClinVar variation 4198750 (VCV004198750.1).

ClinVar aggregate classification (germline): Pathogenic (1 of 4 stars; one submission).

Conditions:
Hereditary cancer-predisposing syndrome. Also called: Neoplastic Syndromes, Hereditary; Tumor predisposition; Hereditary Cancer Syndrome; Hereditary neoplastic syndrome. Identifiers: Orphanet 140162, MedGen C0027672, MeSH D009386, MONDO:0015356.

Submission:

Ambry Genetics
Classification: Pathogenic for Hereditary cancer-predisposing syndrome. Last evaluated: 2025-07-10. Review status: criteria provided, single submitter. Criteria: Ambry Variant Classification Scheme 2023. Collection method: clinical testing. Allele origin: germline.
Comment: The c.481delC pathogenic mutation, located in coding exon 3 of the VHL gene, results from a deletion of one nucleotide at nucleotide position 481, causing a translational frameshift with a predicted alternate stop codon (p.R161Dfs*9). This alteration occurs at the 3' terminus of theVHL gene, is not expected to trigger nonsense-mediated mRNA decay, and impacts the last 25% of the protein. However, premature stop codons are typically deleterious in nature, the impacted region is critical for protein function, and a significant portion of the protein is affected (Ambry internal data). This variant was reported in individual(s) with features consistent with von Hippel-Lindau syndrome (Ambry internal data). This variant is considered to be rare based on population cohorts in the Genome Aggregation Database (gnomAD). Based on the supporting evidence, this variant is interpreted as a disease-causing mutation.